The following is an entry in ClinVar:

NM_001042492.3(NF1):c.3328T>C (p.Phe1110Leu)

Gene: NF1 (neurofibromin 1; plus strand). Cytogenetic location: 17q11.2.
Variant type: single nucleotide variant.
Coding change: c.3328T>C on transcript NM_001042492.3 (MANE Select); coding-DNA position 3328, T replaced by C.
Protein change: p.Phe1110Leu; replaces phenylalanine 1110 with leucine.
Molecular consequence: missense variant.
Genome position (GRCh38, 1-based): chr17:31,232,713, T>C. VCF-style: chr17-31232713-T-C. GRCh37 (hg19) VCF-style: chr17-29559731-T-C.
Other names: c.3328T>C, p.Phe1110Leu (NM_000267.4); short protein forms F1110L.
Identifiers: ClinVar variation 970972 (VCV000970972.6), dbSNP rs2067134298, ClinGen allele CA398988989.

ClinVar aggregate classification (germline): Uncertain significance (1 of 4 stars; one submission).

Conditions:
Neurofibromatosis, type 1 (NF1). Also called: Neurofibromatosis, type I; Peripheral type neurofibromatosis; VON RECKLINGHAUSEN DISEASE; NEUROFIBROMATOSIS, TYPE I, SOMATIC. Identifiers: Orphanet 636, MedGen C0027831, MONDO:0018975, OMIM 162200. Disease mechanism: loss of function.

Allele frequency attached by ClinVar (database versions not stated): gnomAD exomes below 0.00001.
gnomAD v4.1: 1 of 1,613,994 alleles (0.000062%); highest among the groups gnomAD compares: Non-Finnish European, 0.000085%; no homozygotes.

Submission:

Labcorp Genetics (formerly Invitae), Labcorp
Classification: Uncertain significance for Neurofibromatosis, type 1. Last evaluated: 2019-11-04. Review status: criteria provided, single submitter. Criteria: Invitae Variant Classification Sherloc (09022015). Collection method: clinical testing. Allele origin: germline.
Comment: This sequence change replaces phenylalanine with leucine at codon 1110 of the NF1 protein (p.Phe1110Leu). The phenylalanine residue is moderately conserved and there is a small physicochemical difference between phenylalanine and leucine. This variant is not present in population databases (ExAC no frequency). This variant has been reported in individuals in the Leiden Open-source Variation Database (PMID: 21520333). Algorithms developed to predict the effect of missense changes on protein structure and function are either unavailable or do not agree on the potential impact of this missense change (SIFT: "Tolerated"; PolyPhen-2: "Probably Damaging"; Align-GVGD: "Class C0"). In summary, the available evidence is currently insufficient to determine the role of this variant in disease. Therefore, it has been classified as a Variant of Uncertain Significance.

Literature cited by the submitters: PubMed 21520333.